The following is an entry in ClinVar:

ClinVar aggregate classification (germline): Uncertain significance (1 of 4 stars; one submission).

Conditions:
Hyperkalemic periodic paralysis. Also called: Familial hyperkalemic periodic paralysis; Gamstorp disease. Identifiers: Orphanet 682, MedGen C0238357, MONDO:0008224, OMIM 170500, HP:0007215.

Submission:

Labcorp Genetics (formerly Invitae), Labcorp
Classification: Uncertain significance for Hyperkalemic periodic paralysis. Last evaluated: 2024-02-07. Review status: criteria provided, single submitter. Criteria: Invitae Variant Classification Sherloc (09022015). Collection method: clinical testing. Allele origin: germline.
Comment: This sequence change replaces aspartic acid, which is acidic and polar, with tyrosine, which is neutral and polar, at codon 1554 of the SCN4A protein (p.Asp1554Tyr). This variant is not present in population databases (gnomAD no frequency). This variant has not been reported in the literature in individuals affected with SCN4A-related conditions. Advanced modeling of protein sequence and biophysical properties (such as structural, functional, and spatial information, amino acid conservation, physicochemical variation, residue mobility, and thermodynamic stability) performed at Invitae indicates that this missense variant is expected to disrupt SCN4A protein function with a positive predictive value of 95%. In summary, the available evidence is currently insufficient to determine the role of this variant in disease. Therefore, it has been classified as a Variant of Uncertain Significance.

NM_000334.4(SCN4A):c.4660G>T (p.Asp1554Tyr)

Genes: SCN4A (sodium voltage-gated channel alpha subunit 4; minus strand), GH-LCR (growth hormone locus control region; plus strand). Cytogenetic location: 17q23.3.
Variant type: single nucleotide variant.
Coding change: c.4660G>T on transcript NM_000334.4 (MANE Select); coding-DNA position 4660, G replaced by T.
Protein change: p.Asp1554Tyr; replaces aspartic acid 1554 with tyrosine.
Molecular consequence: missense variant.
Genome position (GRCh38, 1-based): chr17:63,941,622, C>A on the plus strand (G>T on the coding strand, the complement: SCN4A is on the minus strand). VCF-style: chr17-63941622-C-A. GRCh37 (hg19) VCF-style: chr17-62018982-C-A.
Other names: short protein forms D1554Y.
Identifiers: ClinVar variation 2707689 (VCV002707689.3), dbSNP rs2509284607, ClinGen allele CA400615535.